The following is an entry in ClinVar:

ClinVar aggregate classification (germline): Uncertain significance. Review status: criteria provided, multiple submitters, no conflicts (2 of 4 stars). 2 submissions from 2 submitters: Uncertain significance (2). Last evaluated 2021-09-24.

Allele frequency attached by ClinVar (database versions not stated): gnomAD 0.00001; TOPMed 0.00001; ExAC 0.00002; gnomAD exomes 0.00003 and 0.00009.
gnomAD v4.1: 132 of 1,614,064 alleles (0.0082%); highest among the groups gnomAD compares: Non-Finnish European, 0.011%; no homozygotes.

Submissions (2):

Labcorp Genetics (formerly Invitae), Labcorp
Classification: Uncertain significance. Last evaluated: 2021-09-24. Review status: criteria provided, single submitter. Criteria: Invitae Variant Classification Sherloc (09022015). Collection method: clinical testing. Allele origin: germline.
Comment: This sequence change replaces threonine with isoleucine at codon 82 of the CNGB1 protein (p.Thr82Ile). The threonine residue is weakly conserved and there is a moderate physicochemical difference between threonine and isoleucine. This variant is present in population databases (rs766414440, ExAC 0.005%). This variant has not been reported in the literature in individuals with CNGB1-related conditions. Advanced modeling of protein sequence and biophysical properties (such as structural, functional, and spatial information, amino acid conservation, physicochemical variation, residue mobility, and thermodynamic stability) performed at Invitae indicates that this missense variant is not expected to disrupt CNGB1 protein function. In summary, the available evidence is currently insufficient to determine the role of this variant in disease. Therefore, it has been classified as a Variant of Uncertain Significance.

Blueprint Genetics
Classification: Uncertain significance. Last evaluated: 2019-08-08. Review status: criteria provided, single submitter. Criteria: ACMG Guidelines, 2015. Collection method: clinical testing. Allele origin: germline.

NM_001297.5(CNGB1):c.245C>T (p.Thr82Ile)

Gene: CNGB1 (cyclic nucleotide gated channel subunit beta 1; minus strand). Cytogenetic location: 16q21.
Variant type: single nucleotide variant.
Coding change: c.245C>T on transcript NM_001297.5 (MANE Select); coding-DNA position 245, C replaced by T.
Protein change: p.Thr82Ile; replaces threonine 82 with isoleucine.
Molecular consequence: missense variant.
Genome position (GRCh38, 1-based): chr16:57,964,175, G>A on the plus strand (C>T on the coding strand, the complement: CNGB1 is on the minus strand). VCF-style: chr16-57964175-G-A. GRCh37 (hg19) VCF-style: chr16-57998079-G-A.
Other names: c.245C>T, p.Thr82Ile (NM_001135639.2, NM_001286130.2); short protein forms T82I.
Identifiers: ClinVar variation 1473660 (VCV001473660.6), dbSNP rs766414440, ClinGen allele CA8083933.